The following is an entry in ClinVar:

NM_014629.4(ARHGEF10):c.334G>A (p.Ala112Thr)

Gene: ARHGEF10 (Rho guanine nucleotide exchange factor 10; plus strand). Cytogenetic location: 8p23.3.
Variant type: single nucleotide variant.
Coding change: c.334G>A on transcript NM_014629.4 (MANE Select); coding-DNA position 334, G replaced by A.
Protein change: p.Ala112Thr; replaces alanine 112 with threonine.
Molecular consequence: missense variant.
Genome position (GRCh38, 1-based): chr8:1,860,037, G>A. VCF-style: chr8-1860037-G-A. GRCh37 (hg19) VCF-style: chr8-1808203-G-A.
Other names: c.334G>A, p.Ala112Thr (NM_001308152.2, NM_001308153.3); short protein forms A112T, A136T.
Identifiers: ClinVar variation 2956438 (VCV002956438.4), dbSNP rs751134443, ClinGen allele CA4599721.

ClinVar aggregate classification (germline): Conflicting classifications of pathogenicity. Review status: criteria provided, conflicting classifications (1 of 4 stars). 2 submissions from 2 submitters: Uncertain significance (1); Likely benign (1). Last evaluated 2025-09-26.

Allele frequency attached by ClinVar (database versions not stated): gnomAD exomes 0.00001; ExAC 0.00001; gnomAD 0.00003; TOPMed 0.00005.
gnomAD v4.1: 25 of 1,613,918 alleles (0.0015%); highest among the groups gnomAD compares: African/African-American, 0.008%; no homozygotes.

Submissions (2):

Labcorp Genetics (formerly Invitae), Labcorp
Classification: Uncertain significance. Last evaluated: 2025-09-26. Review status: criteria provided, single submitter. Criteria: Invitae Variant Classification Sherloc (09022015). Collection method: clinical testing. Allele origin: germline.
Comment: This sequence change replaces alanine, which is neutral and non-polar, with threonine, which is neutral and polar, at codon 112 of the ARHGEF10 protein (p.Ala112Thr). This variant is present in population databases (rs751134443, gnomAD 0.004%). This variant has not been reported in the literature in individuals affected with ARHGEF10-related conditions. ClinVar contains an entry for this variant (Variation ID: 2956438). An algorithm developed to predict the effect of missense changes on protein structure and function outputs the following: PolyPhen-2: "Benign". The threonine amino acid residue is found in multiple mammalian species, which suggests that this missense change does not adversely affect protein function. In summary, the available evidence is currently insufficient to determine the role of this variant in disease. Therefore, it has been classified as a Variant of Uncertain Significance.

Ambry Genetics
Classification: Likely benign. Last evaluated: 2025-07-12. Review status: criteria provided, single submitter. Criteria: Ambry Variant Classification Scheme 2023. Collection method: clinical testing. Allele origin: germline.